The following is an entry in ClinVar:

NM_001368894.2(PAX6):c.1226-2A>G

Genes: ELP4 (elongator acetyltransferase complex subunit 4; plus strand), PAX6 (paired box 6; minus strand). Cytogenetic location: 11p13.
Variant type: single nucleotide variant.
Coding change: c.1226-2A>G on transcript NM_001368894.2 (MANE Select); the canonical splice acceptor site of the intron before coding-DNA position 1226, A replaced by G.
Molecular consequence: splice acceptor variant. On other transcripts: 3 prime UTR variant (3).
Genome position (GRCh38, 1-based): chr11:31,790,021, T>C on the plus strand (A>G on the coding strand, the complement: PAX6 is on the minus strand). VCF-style: chr11-31790021-T-C. GRCh37 (hg19) VCF-style: chr11-31811569-T-C.
Other names: c.*6483T>C (NM_001288725.2); c.*6592T>C (NM_001288726.2); c.*6497T>C (NM_019040.5); c.1184-2A>G (NM_001127612.3, NM_001368890.2, NM_001368888.2 and 6 more transcripts); c.874-2A>G (NM_001368921.2); c.1025-2A>G (NM_001368923.2, NM_001368926.2, NM_001368927.2 and 3 more transcripts); c.1226-2A>G (NM_001258462.3, NM_001310158.2, NM_001258463.2 and 3 more transcripts); c.1301-2A>G (NM_001368919.2, NM_001368918.2); and 9 more.
Identifiers: ClinVar variation 379272 (VCV000379272.3), dbSNP rs1057520551, ClinGen allele CA16605906.
Genomic context (GRCh38, chr11:31,790,021, plus strand): 5'-CATATCAGGTTCACTTCCGGGAACTTGAACTGGAACTGACACACCAGGGGAAATGAGTCC[T>C]AGAAGTGGATGAAAGAAATAGCCATGTAGATATTCCCTTTGAGAAACAGACATGGAATAC-3'

ClinVar aggregate classification (germline): Pathogenic (1 of 4 stars; one submission).

Submission:

GeneDx
Classification: Pathogenic. Last evaluated: 2015-03-10. Review status: criteria provided, single submitter. Criteria: GeneDx Variant Classification (06012015). Collection method: clinical testing. Allele origin: germline. Affected: yes.
Comment: The c.1184-2 A>G splice site variant in the PAX6 gene destroys the canonical splice acceptor site in intron 12. It is predicted to cause abnormal gene splicing, either leading to an abnormal message that is subject to nonsense-mediated mRNA decay, or to an abnormal protein product if the message is used for protein translation. Although this variant has not been previously reported to our knowledge, we interpret it as pathogenic.